The following is an entry in ClinVar:

NM_001854.4(COL11A1):c.1388G>A (p.Gly463Glu)

Gene: COL11A1 (collagen type XI alpha 1 chain; minus strand). Cytogenetic location: 1p21.1.
Variant type: single nucleotide variant.
Coding change: c.1388G>A on transcript NM_001854.4 (MANE Select); coding-DNA position 1388, G replaced by A.
Protein change: p.Gly463Glu; replaces glycine 463 with glutamic acid.
Molecular consequence: missense variant. On other transcripts: non-coding transcript variant (1).
Genome position (GRCh38, 1-based): chr1:103,017,845, C>T on the plus strand (G>A on the coding strand, the complement: COL11A1 is on the minus strand). VCF-style: chr1-103017845-C-T. GRCh37 (hg19) VCF-style: chr1-103483401-C-T.
Other names: c.1271G>A, p.Gly424Glu (NM_001190709.2); c.1424G>A, p.Gly475Glu (NM_080629.3); c.1040G>A, p.Gly347Glu (NM_080630.4); short protein forms G424E, G347E, G463E, G475E.
Identifiers: ClinVar variation 1370119 (VCV001370119.8), dbSNP rs1475867666, ClinGen allele CA341179660.
Genomic context (GRCh38, chr1:103,017,845, plus strand): 5'-GCATTTGTAATGAGATATCATGTCCATTCACTTACCCTATCGCCAGGGTCACCAGGGGGT[C>T]CAGTGGGGCCTTGTAGACCTGGAGGACCCATAATACCCTATAGAGAAACACACCATATCT-3'
Protein context (NP_001845.3, residues 453-473): MGPPGLQGPT[Gly463Glu]PPGDPGDRGP

ClinVar aggregate classification (germline): Uncertain significance (1 of 4 stars; one submission).

Submission:

Labcorp Genetics (formerly Invitae), Labcorp
Classification: Uncertain significance. Last evaluated: 2023-08-17. Review status: criteria provided, single submitter. Criteria: Invitae Variant Classification Sherloc (09022015). Collection method: clinical testing. Allele origin: germline.
Comment: ClinVar contains an entry for this variant (Variation ID: 1370119). This variant has not been reported in the literature in individuals affected with COL11A1-related conditions. This variant is not present in population databases (gnomAD no frequency). This sequence change replaces glycine, which is neutral and non-polar, with glutamic acid, which is acidic and polar, at codon 463 of the COL11A1 protein (p.Gly463Glu). Advanced modeling of protein sequence and biophysical properties (such as structural, functional, and spatial information, amino acid conservation, physicochemical variation, residue mobility, and thermodynamic stability) has been performed at Invitae for this missense variant, however the output from this modeling did not meet the statistical confidence thresholds required to predict the impact of this variant on COL11A1 protein function. In summary, the available evidence is currently insufficient to determine the role of this variant in disease. Therefore, it has been classified as a Variant of Uncertain Significance.